The following is an entry in ClinVar:

NM_006017.3(PROM1):c.2011A>T (p.Lys671Ter)

Gene: PROM1 (prominin 1; minus strand). Cytogenetic location: 4p15.32.
Variant type: single nucleotide variant.
Coding change: c.2011A>T on transcript NM_006017.3 (MANE Select); coding-DNA position 2011, A replaced by T.
Protein change: p.Lys671Ter; replaces lysine 671 with a stop codon.
Molecular consequence: nonsense.
Genome position (GRCh38, 1-based): chr4:15,989,797, T>A on the plus strand (A>T on the coding strand, the complement: PROM1 is on the minus strand). VCF-style: chr4-15989797-T-A. GRCh37 (hg19) VCF-style: chr4-15991420-T-A.
Other names: c.1984A>T, p.Lys662Ter (NM_001145847.2, NM_001145848.2, NM_001145851.2 and 4 more transcripts); c.2011A>T, p.Lys671Ter (NM_001145849.2, NM_001145850.2); short protein forms K671*, K662*.
Identifiers: ClinVar variation 2734650 (VCV002734650.3), dbSNP rs2475173295, ClinGen allele CA356430270.

ClinVar aggregate classification (germline): Pathogenic (1 of 4 stars; one submission).

Submission:

Labcorp Genetics (formerly Invitae), Labcorp
Classification: Pathogenic. Last evaluated: 2023-10-05. Review status: criteria provided, single submitter. Criteria: Invitae Variant Classification Sherloc (09022015). Collection method: clinical testing. Allele origin: germline.
Comment: This sequence change creates a premature translational stop signal (p.Lys671*) in the PROM1 gene. It is expected to result in an absent or disrupted protein product. Loss-of-function variants in PROM1 are known to be pathogenic (PMID: 17605048, 19718270, 24154662, 25474345). This variant is not present in population databases (gnomAD no frequency). This premature translational stop signal has been observed in individual(s) with retinitis pigmentosa (PMID: 28512305). Algorithms developed to predict the effect of sequence changes on RNA splicing suggest that this variant may disrupt the consensus splice site. For these reasons, this variant has been classified as Pathogenic.

Literature cited by the submitters: PubMed 17605048; PubMed 19718270; PubMed 24154662; PubMed 25474345; PubMed 28512305.